The following is an entry in ClinVar:

ClinVar aggregate classification (germline): Pathogenic/Likely pathogenic. Review status: criteria provided, multiple submitters, no conflicts (2 of 4 stars). 2 submissions from 2 submitters: Pathogenic (1); Likely pathogenic (1). Last evaluated 2025-07-30.

Conditions:
ADGRV1-related disorder. Also called: ADGRV1-related condition; ADGRV1-related disorders.
Monogenic hearing loss.

Submissions (2):

Genetics Laboratory, Great Ormond Street Hospital NHS Foundation Trust, North Thames Genomic Laboratory Hub
Classification: Pathogenic for Monogenic hearing loss. Last evaluated: 2025-07-30. Review status: criteria provided, single submitter. Criteria: ACGS Best Practice Guidelines for Variant Classification in Rare Disease 2024 v1.2. Collection method: clinical testing. Allele origin: germline. Affected: yes.
Comment: PM2_moderate, PVS1_very-strong

Blueprint Genetics
Classification: Likely pathogenic for ADGRV1-related disorders. Last evaluated: 2022-09-15. Review status: criteria provided, single submitter. Criteria: ACMG Guidelines, 2015. Collection method: clinical testing. Allele origin: germline. Affected: yes. Observed: 1 variant allele.

NM_032119.4(ADGRV1):c.18020_18023del (p.Glu6007fs)

Gene: ADGRV1 (adhesion G protein-coupled receptor V1; plus strand). Cytogenetic location: 5q14.3.
Variant type: Microsatellite.
Coding change: c.18020_18023del on transcript NM_032119.4 (MANE Select); coding-DNA positions 18020 to 18023, 4 bases deleted (AGAG; older notation c.18020_18023delAGAG).
Protein change: p.Glu6007fs; shifts the reading frame from glutamic acid 6007.
Molecular consequence: frameshift variant. On other transcripts: non-coding transcript variant (1).
Genome position (GRCh38, 1-based): chr5:90,985,390-90,985,393, AGAG deleted; deleting any 4 consecutive bases within chr5:90,985,388-90,985,393 gives the same sequence; the c. name uses the placement nearest the transcript's 3' end. VCF-style (leftmost placement, unchanged base first): chr5-90985387-CAGAG-C. GRCh37 (hg19) VCF-style: chr5-90281204-CAGAG-C.
Other names: short protein forms E6007fs.
Identifiers: ClinVar variation 4087737 (VCV004087737.2).
Genomic context (GRCh38, chr5:90,985,387, plus strand): 5'-GTTGTTTTCTTCCTTAGTCTGTGAATTTCTGGTACGTGCTGGTGATGAATGATGAGCACA[CAGAG>C]AGGCGATATCTGCTGTTTTTCCTTCTGAGTTGGGGACTACCAGCTTTTGTGGTGATTCTC-3'